The following is an entry in ClinVar:

ClinVar aggregate classification (germline): Uncertain significance (1 of 4 stars; one submission).

Conditions:
Congenital myasthenic syndrome 14. Also called: Myasthenic syndrome, congenital, 14, with tubular aggregates. Identifiers: Orphanet 353327, Orphanet 590, MedGen C4015597, MONDO:0014543, OMIM 616228.
Congenital disorder of glycosylation, type Ii. Also called: CDG Ii; ALG2-congenital disorder of glycosylation; ALG2-CDG. Identifiers: Orphanet 79326, MedGen C1842836, MONDO:0011933, OMIM 607906.

Allele frequency attached by ClinVar (database versions not stated): gnomAD 0.00003; TOPMed 0.00003; gnomAD exomes below 0.00001.
gnomAD v4.1: 9 of 1,548,922 alleles (0.00058%); highest among the groups gnomAD compares: African/African-American, 0.0068%; no homozygotes.

Submission:

Labcorp Genetics (formerly Invitae), Labcorp
Classification: Uncertain significance for Congenital disorder of glycosylation, type Ii; Congenital myasthenic syndrome 14. Last evaluated: 2025-08-15. Review status: criteria provided, single submitter. Criteria: Invitae Variant Classification Sherloc (09022015). Collection method: clinical testing. Allele origin: germline.
Comment: This sequence change replaces glycine, which is neutral and non-polar, with aspartic acid, which is acidic and polar, at codon 78 of the ALG2 protein (p.Gly78Asp). This variant is not present in population databases (gnomAD no frequency). This variant has not been reported in the literature in individuals affected with ALG2-related conditions. ClinVar contains an entry for this variant (Variation ID: 951921). An algorithm developed to predict the effect of missense changes on protein structure and function (PolyPhen-2) suggests that this variant is likely to be tolerated. In summary, the available evidence is currently insufficient to determine the role of this variant in disease. Therefore, it has been classified as a Variant of Uncertain Significance.

NM_033087.4(ALG2):c.233G>A (p.Gly78Asp)

Gene: ALG2 (ALG2 alpha-1,3/1,6-mannosyltransferase; minus strand). Cytogenetic location: 9q22.33.
Variant type: single nucleotide variant.
Coding change: c.233G>A on transcript NM_033087.4 (MANE Select); coding-DNA position 233, G replaced by A.
Protein change: p.Gly78Asp; replaces glycine 78 with aspartic acid.
Molecular consequence: missense variant. On other transcripts: non-coding transcript variant (1).
Genome position (GRCh38, 1-based): chr9:99,221,662, C>T on the plus strand (G>A on the coding strand, the complement: ALG2 is on the minus strand). VCF-style: chr9-99221662-C-T. GRCh37 (hg19) VCF-style: chr9-101983944-C-T.
Other names: short protein forms G78D.
Identifiers: ClinVar variation 951921 (VCV000951921.9), dbSNP rs934545988, ClinGen allele CA196855990.